The following is an entry in ClinVar:

NM_000321.3(RB1):c.2457del (p.Pro820fs)

Gene: RB1 (RB transcriptional corepressor 1; plus strand). Cytogenetic location: 13q14.2.
Variant type: Deletion.
Coding change: c.2457del on transcript NM_000321.3 (MANE Select); coding-DNA position 2457, one base deleted (G; older notation c.2457delG).
Protein change: p.Pro820fs; shifts the reading frame from proline 820.
Molecular consequence: frameshift variant.
Genome position (GRCh38, 1-based): chr13:48,465,336, G deleted. VCF-style (leftmost placement, unchanged base first): chr13-48465335-TG-T. GRCh37 (hg19) VCF-style: chr13-49039471-TG-T.
Other names: c.2457del, p.Pro820fs (NM_001407165.1); short protein forms P820fs.
Identifiers: ClinVar variation 3237095 (VCV003237095.1), dbSNP rs2542376107.
Genomic context (GRCh38, chr13:48,465,335, plus strand): 5'-TTCCTGGAGGGAACATCTATATTTCACCCCTGAAGAGTCCATATAAAATTTCAGAAGGTC[TG>T]CCAACACCAACAAAAATGACTCCAAGATCAAGGTGTGTGTTTTCTCTTTAGGGAAGTAGT-3'

ClinVar aggregate classification (germline): Pathogenic (1 of 4 stars; one submission).

Conditions:
Retinoblastoma (RB1). Also called: RETINOBLASTOMA, SOMATIC. Identifiers: Orphanet 790, MedGen C0035335, MeSH D012175, MONDO:0008380, OMIM 180200, HP:0009919. Disease mechanism: loss of function. Inheritance: Both sporadic and heritable forms are tested..

Submission:

Genetic Diagnostic Laboratory, University of Pennsylvania School of Medicine
Classification: Pathogenic for Retinoblastoma. Last evaluated: 2024-05-20. Review status: criteria provided, single submitter. Criteria: ACMG Guidelines, 2015. Collection method: clinical testing. Allele origin: germline. Affected: yes. Observed: 1 variant allele.
Comment: Case and Pedigree Information: BILATERAL CASES:1, UNILATERAL CASES:0, TOTAL CASES:1, PEDIGREES:1. ACMG Codes Applied:PVS1, PM2